The following is an entry in ClinVar:

ClinVar aggregate classification (germline): Pathogenic (1 of 4 stars; one submission).

Submission:

Labcorp Genetics (formerly Invitae), Labcorp
Classification: Pathogenic. Last evaluated: 2025-06-03. Review status: criteria provided, single submitter. Criteria: Invitae Variant Classification Sherloc (09022015). Collection method: clinical testing. Allele origin: germline.
Comment: This sequence change creates a premature translational stop signal (p.Trp1259Glyfs*14) in the ABCC6 gene. It is expected to result in an absent or disrupted protein product. Loss-of-function variants in ABCC6 are known to be pathogenic (PMID: 11536079, 17617515). This variant is not present in population databases (gnomAD no frequency). This variant has not been reported in the literature in individuals affected with ABCC6-related conditions. For these reasons, this variant has been classified as Pathogenic.

Literature cited by the submitters: PubMed 11536079; PubMed 17617515.

NM_001171.6(ABCC6):c.3774del (p.Trp1259fs)

Gene: ABCC6 (ATP binding cassette subfamily C member 6; minus strand). Cytogenetic location: 16p13.11.
Variant type: Deletion.
Coding change: c.3774del on transcript NM_001171.6 (MANE Select); coding-DNA position 3774, one base deleted (C; older notation c.3774delC).
Protein change: p.Trp1259fs; shifts the reading frame from tryptophan 1259.
Molecular consequence: frameshift variant. On other transcripts: non-coding transcript variant (4).
Genome position (GRCh38, 1-based): chr16:16,157,771, G deleted on the plus strand (C on the coding strand, the reverse complement: ABCC6 is on the minus strand); the first of 6 consecutive G bases (chr16:16,157,771-16,157,776); deleting any one gives the same sequence. VCF-style (leftmost placement, unchanged base first): chr16-16157770-AG-A. GRCh37 (hg19) VCF-style: chr16-16251627-AG-A.
Other names: c.3432del, p.Trp1145fs (NM_001351800.1); c.3741del, p.Trp1248fs (NM_001440309.1); c.3606del, p.Trp1203fs (NM_001440310.1); short protein forms W1259fs, W1248fs, W1145fs, W1203fs.
Identifiers: ClinVar variation 4764548 (VCV004764548.1).
Genomic context (GRCh38, chr16:16,157,770, plus strand): 5'-GGAGCTCAGGTCGGTATCTTAGCCCAAAGTCCCGGAACTCGATCTGCCCGCCCTGAGGCC[AG>A]GGGGGCTGAGCTGCACATGTGGGCAGCCTCCAGGGAGCCTGGAGCAGGAGGGGAAACTGA-3'